The following is an entry in ClinVar:

NM_015295.3(SMCHD1):c.5918A>C (p.His1973Pro)

Gene: SMCHD1 (structural maintenance of chromosomes flexible hinge domain containing 1; plus strand). Cytogenetic location: 18p11.32.
Variant type: single nucleotide variant.
Coding change: c.5918A>C on transcript NM_015295.3 (MANE Select); coding-DNA position 5918, A replaced by C.
Protein change: p.His1973Pro; replaces histidine 1973 with proline.
Molecular consequence: missense variant.
Genome position (GRCh38, 1-based): chr18:2,796,446, A>C. VCF-style: chr18-2796446-A-C. GRCh37 (hg19) VCF-style: chr18-2796444-A-C.
Other names: short protein forms H1973P.
Identifiers: ClinVar variation 4745762 (VCV004745762.1).

ClinVar aggregate classification (germline): Uncertain significance (1 of 4 stars; one submission).

Conditions:
Facioscapulohumeral muscular dystrophy 2 (FSHD2). Also called: MUSCULAR DYSTROPHY, FACIOSCAPULOHUMERAL, TYPE 1B; FACIOSCAPULOHUMERAL MUSCULAR DYSTROPHY 2, DIGENIC; FSHD2, DIGENIC. Identifiers: Orphanet 269, MedGen C1834671, MONDO:0008031, OMIM 158901.

Submission:

Labcorp Genetics (formerly Invitae), Labcorp
Classification: Uncertain significance for Facioscapulohumeral muscular dystrophy 2. Last evaluated: 2025-10-18. Review status: criteria provided, single submitter. Criteria: Invitae Variant Classification Sherloc (09022015). Collection method: clinical testing. Allele origin: germline.
Comment: This sequence change replaces histidine, which is basic and polar, with proline, which is neutral and non-polar, at codon 1973 of the SMCHD1 protein (p.His1973Pro). This variant is present in population databases (rs777828468, gnomAD 0.0009%). This variant has not been reported in the literature in individuals affected with SMCHD1-related conditions. An algorithm developed to predict the effect of missense changes on protein structure and function (PolyPhen-2) suggests that this variant is likely to be tolerated. In summary, the available evidence is currently insufficient to determine the role of this variant in disease. Therefore, it has been classified as a Variant of Uncertain Significance.